The following is an entry in ClinVar:

NM_005732.4(RAD50):c.123A>T (p.Gly41=)

Gene: RAD50 (RAD50 double strand break repair protein; plus strand). Cytogenetic location: 5q31.1.
Variant type: single nucleotide variant.
Coding change: c.123A>T on transcript NM_005732.4 (MANE Select); coding-DNA position 123, A replaced by T.
Protein change: p.Gly41=; no amino-acid change (glycine 41 retained).
Molecular consequence: synonymous variant.
Genome position (GRCh38, 1-based): chr5:132,557,447, A>T. VCF-style: chr5-132557447-A-T. GRCh37 (hg19) VCF-style: chr5-131893139-A-T.
Identifiers: ClinVar variation 216617 (VCV000216617.15), dbSNP rs754054728, ClinGen allele CA335742.

ClinVar aggregate classification (germline): Conflicting classifications of pathogenicity. Review status: criteria provided, conflicting classifications (1 of 4 stars). 2 submissions from 2 submitters: Uncertain significance (1); Likely benign (1). Last evaluated 2023-08-08.

Conditions:
Hereditary cancer-predisposing syndrome. Also called: Hereditary Cancer Syndrome; Hereditary neoplastic syndrome; Neoplastic Syndromes, Hereditary; Tumor predisposition. Identifiers: Orphanet 140162, MedGen C0027672, MeSH D009386, MONDO:0015356.

Allele frequency attached by ClinVar (database versions not stated): gnomAD exomes below 0.00001 and 0.00001; ExAC 0.00002.
gnomAD v4.1: 2 of 1,614,086 alleles (0.00012%); highest among the groups gnomAD compares: Non-Finnish European, 0.00017%; no homozygotes.

Submissions (2):

Labcorp Genetics (formerly Invitae), Labcorp
Classification: Likely benign for Hereditary cancer-predisposing syndrome. Last evaluated: 2023-08-08. Review status: criteria provided, single submitter. Criteria: Invitae Variant Classification Sherloc (09022015). Collection method: clinical testing. Allele origin: germline.

Ambry Genetics
Classification: Uncertain significance for Hereditary cancer-predisposing syndrome. Last evaluated: 2022-08-05. Review status: criteria provided, single submitter. Criteria: Ambry Variant Classification Scheme 2023. Collection method: clinical testing. Allele origin: germline.
Comment: The c.123A>T variant (also known as p.G41G), located in coding exon 1 of the RAD50 gene, results from an A to T substitution at nucleotide position 123. This nucleotide substitution does not change the glycine at codon 41. This nucleotide position is poorly conserved in available vertebrate species. In silico splice site analysis for this alteration is inconclusive. Since supporting evidence is limited at this time, the clinical significance of this alteration remains unclear.